The following is an entry in ClinVar:

NM_024757.5(EHMT1):c.811_818del (p.Lys271fs)

Gene: EHMT1 (euchromatic histone lysine methyltransferase 1; plus strand). Cytogenetic location: 9q34.3.
Variant type: Deletion.
Coding change: c.811_818del on transcript NM_024757.5 (MANE Select); coding-DNA positions 811 to 818, 8 bases deleted (AAATCACA; older notation c.811_818delAAATCACA).
Protein change: p.Lys271fs; shifts the reading frame from lysine 271.
Molecular consequence: frameshift variant.
Genome position (GRCh38, 1-based): chr9:137,728,517-137,728,524, AAATCACA deleted; deleting any 8 consecutive bases within chr9:137,728,513-137,728,524 gives the same sequence; the c. name uses the placement nearest the transcript's 3' end. VCF-style (leftmost placement, unchanged base first): chr9-137728512-CCACAAAAT-C. GRCh37 (hg19) VCF-style: chr9-140622964-CCACAAAAT-C.
Other names: c.811_818del, p.Lys271fs (NM_001145527.2, NM_001354263.2, NM_001354611.2); c.718_725del, p.Lys240fs (NM_001354259.2, NM_001354612.2); short protein forms K240fs, K271fs.
Identifiers: ClinVar variation 3655253 (VCV003655253.2).
Genomic context (GRCh38, chr9:137,728,512, plus strand): 5'-TTTTACCCCCCTTCCCATCCCTTCATCAGTCGCTACCTCAGAACCAGTGCTACATGGCCA[CCACAAAAT>C]CACAGACAGGTAAAGAGGACCCGGCAACTGTCTCTGCTCTTTGAATGTATGTTTCGAGCC-3'

ClinVar aggregate classification (germline): Pathogenic (1 of 4 stars; one submission).

Conditions:
Kleefstra syndrome 1 (KLEFS1). Identifiers: Orphanet 261494, MedGen C0795833, MONDO:0027407, OMIM 610253.

Submission:

Labcorp Genetics (formerly Invitae), Labcorp
Classification: Pathogenic for Kleefstra syndrome 1. Last evaluated: 2024-06-01. Review status: criteria provided, single submitter. Criteria: Invitae Variant Classification Sherloc (09022015). Collection method: clinical testing. Allele origin: germline.
Comment: This sequence change creates a premature translational stop signal (p.Lys271Aspfs*24) in the EHMT1 gene. It is expected to result in an absent or disrupted protein product. Loss-of-function variants in EHMT1 are known to be pathogenic (PMID: 16826528, 19264732). This variant is not present in population databases (gnomAD no frequency). This variant has not been reported in the literature in individuals affected with EHMT1-related conditions. For these reasons, this variant has been classified as Pathogenic.

Literature cited by the submitters: PubMed 16826528; PubMed 19264732.